The following is an entry in ClinVar:

NM_000026.4(ADSL):c.17A>T (p.Asp6Val)

Gene: ADSL (adenylosuccinate lyase; plus strand). Cytogenetic location: 22q13.1.
Variant type: single nucleotide variant.
Coding change: c.17A>T on transcript NM_000026.4 (MANE Select); coding-DNA position 17, A replaced by T.
Protein change: p.Asp6Val; replaces aspartic acid 6 with valine.
Molecular consequence: missense variant. On other transcripts: 5 prime UTR variant (1), non-coding transcript variant (1).
Genome position (GRCh38, 1-based): chr22:40,346,575, A>T. VCF-style: chr22-40346575-A-T. GRCh37 (hg19) VCF-style: chr22-40742579-A-T.
Other names: c.17A>T, p.Asp6Val (NM_001123378.3, NM_001363840.3); c.-121A>T (NM_001317923.2); short protein forms D6V.
Identifiers: ClinVar variation 1035489 (VCV001035489.8), dbSNP rs1314470860, ClinGen allele CA411632590.
Genomic context (GRCh38, chr22:40,346,575, plus strand): 5'-CTCTTCCCTGGTCCAGTCCACCCTGGCGGGGTCGCAGGGTTGGGATGGCGGCTGGAGGCG[A>T]TCATGGTTCGCCCGACAGCTACCGCTCACCTCTTGCCTCCCGCTATGCCAGCCCGGAGAT-3'
Protein context (NP_000017.1, residues 1-16): MAAGG[Asp6Val]HGSPDSYRSP

ClinVar aggregate classification (germline): Uncertain significance (1 of 4 stars; one submission).

Conditions:
Adenylosuccinate lyase deficiency (ADSLD). Also called: ADSL DEFICIENCY. Identifiers: Orphanet 46, MedGen C0268126, MONDO:0007068, OMIM 103050.

Allele frequency attached by ClinVar (database versions not stated): gnomAD exomes below 0.00001.
gnomAD v4.1: 4 of 1,605,534 alleles (0.00025%); highest among the groups gnomAD compares: Non-Finnish European, 0.00034%; no homozygotes.

Submission:

Labcorp Genetics (formerly Invitae), Labcorp
Classification: Uncertain significance for Adenylosuccinate lyase deficiency. Last evaluated: 2025-09-25. Review status: criteria provided, single submitter. Criteria: Invitae Variant Classification Sherloc (09022015). Collection method: clinical testing. Allele origin: germline.
Comment: This sequence change replaces aspartic acid, which is acidic and polar, with valine, which is neutral and non-polar, at codon 6 of the ADSL protein (p.Asp6Val). This variant is present in population databases (no rsID available, gnomAD 0.001%). This variant has not been reported in the literature in individuals affected with ADSL-related conditions. ClinVar contains an entry for this variant (Variation ID: 1035489). Invitae Evidence Modeling of protein sequence and biophysical properties (such as structural, functional, and spatial information, amino acid conservation, physicochemical variation, residue mobility, and thermodynamic stability) indicates that this missense variant is not expected to disrupt ADSL protein function with a negative predictive value of 95%. In summary, the available evidence is currently insufficient to determine the role of this variant in disease. Therefore, it has been classified as a Variant of Uncertain Significance.